The following is an entry in ClinVar:

NM_001378609.3(OTOGL):c.3191_3192insAAA (p.Ile1064_Lys1065insAsn)

Gene: OTOGL (otogelin like; plus strand). Cytogenetic location: 12q21.31.
Variant type: Insertion.
Coding change: c.3191_3192insAAA on transcript NM_001378609.3 (MANE Select); coding-DNA positions 3191 to 3192, AAA inserted.
Protein change: p.Ile1064_Lys1065insAsn.
Molecular consequence: inframe insertion.
Genome position: GRCh38 VCF-style: chr12-80302761-T-TAAA. GRCh37 (hg19) VCF-style: chr12-80696541-T-TAAA.
Other names: c.3056_3057insAAA, p.Ile1019_Lys1020insAsn (NM_001368062.3); c.3191_3192insAAA, p.Ile1064_Lys1065insAsn (NM_001378610.3, NM_173591.7); c.3164_3165insAAA (NM_173591.3).
Identifiers: ClinVar variation 2181072 (VCV002181072.11), dbSNP rs1280466701, ClinGen allele CA606195279.

ClinVar aggregate classification (germline): Conflicting classifications of pathogenicity. Review status: criteria provided, conflicting classifications (1 of 4 stars). 4 submissions from 4 submitters: Likely pathogenic (1); Uncertain significance (3). Last evaluated 2025-03-19.

Conditions:
Autosomal recessive nonsyndromic hearing loss 84B. Also called: Deafness, autosomal recessive 84b. Identifiers: Orphanet 90636, MedGen C3554159, MONDO:0013984, OMIM 614944.

Allele frequency attached by ClinVar (database versions not stated): gnomAD exomes 0.00002; TOPMed 0.00002; gnomAD 0.00003.

Submissions (4):

GeneDx
Classification: Uncertain significance. Last evaluated: 2025-03-19. Review status: criteria provided, single submitter. Criteria: GeneDx Variant Classification Process June 2021. Collection method: clinical testing. Allele origin: germline. Affected: yes.
Comment: Not observed at significant frequency in large population cohorts (gnomAD); In-frame insertion of 1 amino acid(s) in a non-repeat region; Has not been previously published as pathogenic or benign to our knowledge

Blueprint Genetics
Classification: Uncertain significance. Last evaluated: 2024-08-09. Review status: criteria provided, single submitter. Criteria: ACMG Guidelines, 2015. Collection method: clinical testing. Allele origin: germline.

Institute of Human Genetics Munich, TUM University Hospital
Classification: Likely pathogenic for Autosomal recessive nonsyndromic hearing loss 84B. Last evaluated: 2024-07-22. Review status: criteria provided, single submitter. Criteria: Classification criteria August 2017. Collection method: clinical testing. Allele origin: paternal. Inheritance: Autosomal recessive inheritance. Affected: yes. Observed: 1 variant allele.

Labcorp Genetics (formerly Invitae), Labcorp
Classification: Uncertain significance. Last evaluated: 2022-04-24. Review status: criteria provided, single submitter. Criteria: Invitae Variant Classification Sherloc (09022015). Collection method: clinical testing. Allele origin: germline.
Comment: In summary, the available evidence is currently insufficient to determine the role of this variant in disease. Therefore, it has been classified as a Variant of Uncertain Significance. Algorithms developed to predict the effect of sequence changes on RNA splicing suggest that this variant may disrupt the consensus splice site. This variant has not been reported in the literature in individuals affected with OTOGL-related conditions. This variant is present in population databases (no rsID available, gnomAD 0.004%). This variant, c.3164_3165insAAA, results in the insertion of 1 amino acid(s) of the OTOGL protein (p.Ile1055_Lys1056insAsn), but otherwise preserves the integrity of the reading frame.